The following is an entry in ClinVar:

NM_001378609.3(OTOGL):c.1131A>T (p.Gln377His)

Gene: OTOGL (otogelin like; plus strand). Cytogenetic location: 12q21.31.
Variant type: single nucleotide variant.
Coding change: c.1131A>T on transcript NM_001378609.3 (MANE Select); coding-DNA position 1131, A replaced by T.
Protein change: p.Gln377His; replaces glutamine 377 with histidine.
Molecular consequence: missense variant.
Genome position (GRCh38, 1-based): chr12:80,251,771, A>T. VCF-style: chr12-80251771-A-T. GRCh37 (hg19) VCF-style: chr12-80645551-A-T.
Other names: c.1131A>T, p.Gln377His (NM_001368062.3, NM_001378610.3, NM_173591.7); short protein forms Q377H.
Identifiers: ClinVar variation 4537966 (VCV004537966.1).

ClinVar aggregate classification (germline): Uncertain significance (1 of 4 stars; one submission).

gnomAD v4.1: 7 of 1,586,068 alleles (0.00044%); highest among the groups gnomAD compares: African/African-American, 0.008%; no homozygotes.

Submission:

GeneDx
Classification: Uncertain significance. Last evaluated: 2025-06-09. Review status: criteria provided, single submitter. Criteria: GeneDx Variant Classification Process June 2021. Collection method: clinical testing. Allele origin: germline. Affected: yes.
Comment: In silico analysis suggests that this missense variant does not alter protein structure/function; Has not been previously published as pathogenic or benign to our knowledge